The following is an entry in ClinVar:

ClinVar aggregate classification (germline): Benign. Review status: criteria provided, multiple submitters, no conflicts (2 of 4 stars). 3 submissions from 3 submitters: Benign (2). 1 of the submissions does not count toward it. Last evaluated 2019-12-31.

Conditions:
LINGO1-related disorder. Also called: LINGO1-related condition.

Allele frequency attached by ClinVar (database versions not stated): gnomAD exomes 0.00116 and 0.00315; ExAC 0.00376; 1000 Genomes Project 0.01098; gnomAD 0.01200 and 0.01291; 1000 Genomes Project 30x 0.01249; ESP Exome Variant Server 0.01318; TOPMed 0.01367.
gnomAD v4.1: 3,568 of 1,613,946 alleles (0.22%); highest among the groups gnomAD compares: African/African-American, 4.2%; 73 homozygotes.

Submissions (3):

Labcorp Genetics (formerly Invitae), Labcorp
Classification: Benign. Last evaluated: 2019-12-31. Review status: criteria provided, single submitter. Criteria: Invitae Variant Classification Sherloc (09022015). Collection method: clinical testing. Allele origin: germline.

Breakthrough Genomics
Classification: Benign. Review status: criteria provided, single submitter. Criteria: ACMG Guidelines, 2015. Collection method: not provided. Allele origin: germline. Inheritance: Autosomal recessive inheritance. Affected: yes.

PreventionGenetics, part of Exact Sciences
Classification: Benign for LINGO1-related condition. Last evaluated: 2019-06-06. Review status: no assertion criteria provided. Collection method: clinical testing. Allele origin: germline. Not counted in ClinVar's aggregate classification.
Comment: This variant is classified as benign based on ACMG/AMP sequence variant interpretation guidelines (Richards et al. 2015 PMID: 25741868, with internal and published modifications).

NM_032808.7(LINGO1):c.1575C>T (p.Pro525=)

Gene: LINGO1 (leucine rich repeat and Ig domain containing 1; minus strand). Cytogenetic location: 15q24.3.
Variant type: single nucleotide variant.
Coding change: c.1575C>T on transcript NM_032808.7 (MANE Select); coding-DNA position 1575, C replaced by T.
Protein change: p.Pro525=; no amino-acid change (proline 525 retained).
Molecular consequence: synonymous variant.
Genome position (GRCh38, 1-based): chr15:77,614,332, G>A on the plus strand (C>T on the coding strand, the complement: LINGO1 is on the minus strand). VCF-style: chr15-77614332-G-A. GRCh37 (hg19) VCF-style: chr15-77906674-G-A.
Other names: c.1557C>T, p.Pro519= (NM_001301186.2, NM_001301187.2, NM_001301189.2 and 8 more transcripts).
Identifiers: ClinVar variation 778558 (VCV000778558.7), dbSNP rs11853548, ClinGen allele CA7677748.